The following is an entry in ClinVar:

NM_002691.4(POLD1):c.3136G>A (p.Ala1046Thr)

Gene: POLD1 (DNA polymerase delta 1, catalytic subunit; plus strand). Cytogenetic location: 19q13.33.
Variant type: single nucleotide variant.
Coding change: c.3136G>A on transcript NM_002691.4 (MANE Select); coding-DNA position 3136, G replaced by A.
Protein change: p.Ala1046Thr; replaces alanine 1046 with threonine.
Molecular consequence: missense variant. On other transcripts: non-coding transcript variant (1).
Genome position (GRCh38, 1-based): chr19:50,417,187, G>A. VCF-style: chr19-50417187-G-A. GRCh37 (hg19) VCF-style: chr19-50920444-G-A.
Other names: c.3136G>A, p.Ala1046Thr (NM_001256849.1); c.3214G>A, p.Ala1072Thr (NM_001308632.1); c.3136G>A (NM_002691.2); short protein forms A1046T, A1072T.
Identifiers: ClinVar variation 2413501 (VCV002413501.7), dbSNP rs751088347, ClinGen allele CA406987289.
Genomic context (GRCh38, chr19:50,417,187, plus strand): 5'-AGGTGGGGAGGCGGGGGCGCCCTGCTCAGCCGCTGCCGTCCCCAGGTATCCCATCTGAAT[G>A]CCCTGGAGGAGCGCTTCTCGCGCCTCTGGACGCAGTGCCAGCGCTGCCAGGGCAGCCTGC-3'
Protein context (NP_002682.2, residues 1036-1056): LYQKEVSHLN[Ala1046Thr]LEERFSRLWT

ClinVar aggregate classification (germline): Uncertain significance. Review status: criteria provided, multiple submitters, no conflicts (2 of 4 stars). 2 submissions from 2 submitters: Uncertain significance (2). Last evaluated 2026-05-14.

Conditions:
POLD1-related polyposis and colorectal cancer syndrome (CRCS10). Also called: COLORECTAL CANCER, SUSCEPTIBILITY TO, ON CHROMOSOME 19q; Colorectal cancer 10; Colorectal cancer, susceptibility to, 10. Identifiers: Orphanet 220460, MedGen C2675481, MONDO:0012953, OMIM 612591.
Hereditary cancer-predisposing syndrome. Also called: Neoplastic Syndromes, Hereditary; Tumor predisposition; Hereditary Cancer Syndrome; Hereditary neoplastic syndrome. Identifiers: Orphanet 140162, MedGen C0027672, MeSH D009386, MONDO:0015356.

Submissions (2):

Ambry Genetics
Classification: Uncertain significance for Hereditary cancer-predisposing syndrome. Last evaluated: 2026-05-14. Review status: criteria provided, single submitter. Criteria: Ambry Variant Classification Scheme 2023. Collection method: clinical testing. Allele origin: germline.
Comment: The p.A1046T variant (also known as c.3136G>A), located in coding exon 25 of the POLD1 gene, results from a G to A substitution at nucleotide position 3136. The alanine at codon 1046 is replaced by threonine, an amino acid with similar properties. This amino acid position is conserved. In addition, this alteration is predicted to be tolerated by in silico analysis. Based on the available evidence, the clinical significance of this variant remains unclear.

Labcorp Genetics (formerly Invitae), Labcorp
Classification: Uncertain significance for POLD1-related polyposis and colorectal cancer syndrome. Last evaluated: 2024-04-30. Review status: criteria provided, single submitter. Criteria: Invitae Variant Classification Sherloc (09022015). Collection method: clinical testing. Allele origin: germline.
Comment: This sequence change replaces alanine, which is neutral and non-polar, with threonine, which is neutral and polar, at codon 1046 of the POLD1 protein (p.Ala1046Thr). This variant is not present in population databases (gnomAD no frequency). This variant has not been reported in the literature in individuals affected with POLD1-related conditions. ClinVar contains an entry for this variant (Variation ID: 2413501). Advanced modeling of protein sequence and biophysical properties (such as structural, functional, and spatial information, amino acid conservation, physicochemical variation, residue mobility, and thermodynamic stability) performed at Invitae indicates that this missense variant is not expected to disrupt POLD1 protein function with a negative predictive value of 80%. In summary, the available evidence is currently insufficient to determine the role of this variant in disease. Therefore, it has been classified as a Variant of Uncertain Significance.